The following is an entry in ClinVar:

ClinVar aggregate classification (germline): Conflicting classifications of pathogenicity. Review status: criteria provided, conflicting classifications (1 of 4 stars). 4 submissions from 4 submitters: Uncertain significance (2); Likely benign (2). Last evaluated 2026-01-29.

Conditions:
IDS-related disorder. Also called: IDS-related condition.
Inborn genetic diseases. Identifiers: MedGen C0950123, MeSH D030342.
Mucopolysaccharidosis, MPS-II (MPS2). Also called: IDS deficiency; Sulfoiduronate sulfatase deficiency; SIDS deficiency; Mucopolysaccharidosis with skin involvement; IDURONATE 2-SULFATASE DEFICIENCY; Mucopolysaccharidosis Type II. Identifiers: Orphanet 580, Orphanet 79388, MedGen C0026705, MONDO:0010674, OMIM 309900.

Allele frequency attached by ClinVar (database versions not stated): ExAC 0.00003; gnomAD exomes 0.00005 and 0.00006; gnomAD 0.00006 and 0.00007; TOPMed 0.00010; ESP Exome Variant Server 0.00019.
gnomAD v4.1: 76 of 1,209,995 alleles (0.0063%); highest among the groups gnomAD compares: African/African-American, 0.014%; no homozygotes.

Submissions (4):

Labcorp Genetics (formerly Invitae), Labcorp
Classification: Likely benign for Mucopolysaccharidosis, MPS-II. Last evaluated: 2026-01-29. Review status: criteria provided, single submitter. Criteria: Invitae Variant Classification Sherloc (09022015). Collection method: clinical testing. Allele origin: germline.

PreventionGenetics, part of Exact Sciences
Classification: Uncertain significance for IDS-related condition. Last evaluated: 2025-09-18. Review status: criteria provided, single submitter. Criteria: ACMG Guidelines, 2015. Collection method: clinical testing. Allele origin: germline.
Comment: The IDS c.1085A>G variant is predicted to result in the amino acid substitution p.Tyr362Cys. To our knowledge, this variant has not been reported in the literature. This variant is reported in 0.011% of alleles in individuals of Latino descent in gnomAD. Although we suspect that this variant may be benign, at this time, the clinical significance of this variant is uncertain due to the absence of conclusive functional and genetic evidence.

Ambry Genetics
Classification: Likely benign for Inborn genetic diseases. Last evaluated: 2024-04-06. Review status: criteria provided, single submitter. Criteria: Ambry Variant Classification Scheme 2023. Collection method: clinical testing. Allele origin: germline.

Department of Pathology and Laboratory Medicine, Sinai Health System
Classification: Uncertain significance for Mucopolysaccharidosis, MPS-II. Last evaluated: 2021-08-16. Review status: criteria provided, single submitter. Criteria: ACMG Guidelines, 2015. Collection method: research. Allele origin: germline.

NM_000202.8(IDS):c.1085A>G (p.Tyr362Cys)

Genes: IDS (iduronate 2-sulfatase; minus strand), LOC106050102 (IDS recombination region; plus strand). Cytogenetic location: Xq28.
Variant type: single nucleotide variant.
Coding change: c.1085A>G on transcript NM_000202.8 (MANE Select); coding-DNA position 1085, A replaced by G.
Protein change: p.Tyr362Cys; replaces tyrosine 362 with cysteine.
Molecular consequence: missense variant.
Genome position (GRCh38, 1-based): chrX:149,487,020, T>C on the plus strand (A>G on the coding strand, the complement: IDS is on the minus strand). VCF-style: chrX-149487020-T-C. GRCh37 (hg19) VCF-style: chrX-148568551-T-C.
Other names: c.1085A>G (NM_000202.5, NM_000202.7); c.815A>G, p.Tyr272Cys (NM_001166550.4); short protein forms Y272C, Y362C.
Identifiers: ClinVar variation 1126548 (VCV001126548.13), dbSNP rs141037133, ClinGen allele CA10537503.